The following is an entry in ClinVar:

NM_147127.5(EVC2):c.2912A>T (p.Gln971Leu)

Gene: EVC2 (EvC ciliary complex subunit 2; minus strand). Cytogenetic location: 4p16.2.
Variant type: single nucleotide variant.
Coding change: c.2912A>T on transcript NM_147127.5 (MANE Select); coding-DNA position 2912, A replaced by T.
Protein change: p.Gln971Leu; replaces glutamine 971 with leucine.
Molecular consequence: missense variant.
Genome position (GRCh38, 1-based): chr4:5,584,768, T>A on the plus strand (A>T on the coding strand, the complement: EVC2 is on the minus strand). VCF-style: chr4-5584768-T-A. GRCh37 (hg19) VCF-style: chr4-5586495-T-A.
Other names: c.2672A>T, p.Gln891Leu (NM_001166136.2); short protein forms Q891L, Q971L.
Identifiers: ClinVar variation 4795071 (VCV004795071.1).

ClinVar aggregate classification (germline): Uncertain significance (1 of 4 stars; one submission).

Conditions:
Ellis-van Creveld syndrome (EVC). Also called: MESOECTODERMAL DYSPLASIA; EVC-Related Ellis-van Creveld Syndrome; EVC2-Related Ellis-van Creveld Syndrome; Chondroectodermal dysplasia. Identifiers: Orphanet 289, MedGen C0013903, MONDO:0009162, OMIM 225500.
Curry-Hall syndrome (WAD). Also called: WEYERS ACRODENTAL DYSOSTOSIS. Identifiers: Orphanet 952, MedGen C0457013, MONDO:0008673, OMIM 193530.

gnomAD v4.1: 1 of 1,614,180 alleles (0.000062%); highest among the groups gnomAD compares: Admixed American, 0.0017%; no homozygotes.

Submission:

Labcorp Genetics (formerly Invitae), Labcorp
Classification: Uncertain significance for Curry-Hall syndrome; Ellis-van Creveld syndrome. Last evaluated: 2025-12-22. Review status: criteria provided, single submitter. Criteria: Invitae Variant Classification Sherloc (09022015). Collection method: clinical testing. Allele origin: germline.
Comment: This sequence change replaces glutamine, which is neutral and polar, with leucine, which is neutral and non-polar, at codon 971 of the EVC2 protein (p.Gln971Leu). This variant is not present in population databases (gnomAD no frequency). This variant has not been reported in the literature in individuals affected with EVC2-related conditions. An algorithm developed to predict the effect of missense changes on protein structure and function (PolyPhen-2) suggests that this variant is likely to be disruptive. Algorithms developed to predict the effect of sequence changes on RNA splicing suggest that this variant may create or strengthen a splice site. In summary, the available evidence is currently insufficient to determine the role of this variant in disease. Therefore, it has been classified as a Variant of Uncertain Significance.